The following is an entry in ClinVar:

NM_002225.5(IVD):c.782del (p.Pro261fs)

Gene: IVD (isovaleryl-CoA dehydrogenase; plus strand). Cytogenetic location: 15q15.1.
Variant type: Deletion.
Coding change: c.782del on transcript NM_002225.5 (MANE Select); coding-DNA position 782, one base deleted (C; older notation c.782delC).
Protein change: p.Pro261fs; shifts the reading frame from proline 261.
Molecular consequence: frameshift variant. On other transcripts: non-coding transcript variant (1).
Genome position (GRCh38, 1-based): chr15:40,413,085, C deleted; the last of 2 consecutive C bases (chr15:40,413,084-40,413,085); deleting either gives the same sequence. VCF-style (leftmost placement, unchanged base first): chr15-40413083-TC-T. GRCh37 (hg19) VCF-style: chr15-40705282-TC-T.
Other names: c.791del (NM_002225.3); c.692del, p.Pro231fs (NM_001159508.3); c.734del, p.Pro245fs (NM_001354597.3); c.782del, p.Pro261fs (NM_001354598.3, NM_001354601.3); c.869del, p.Pro290fs (NM_001354599.3, NM_001354600.3); short protein forms P231fs, P245fs, P261fs, P290fs.
Identifiers: ClinVar variation 4717517 (VCV004717517.2).

ClinVar aggregate classification (germline): Pathogenic/Likely pathogenic. Review status: criteria provided, multiple submitters, no conflicts (2 of 4 stars). 2 submissions from 2 submitters: Pathogenic (1); Likely pathogenic (1). Last evaluated 2025-11-10.

Conditions:
Isovaleryl-CoA dehydrogenase deficiency (IVA). Also called: ISOVALERIC ACID CoA DEHYDROGENASE DEFICIENCY; Isovaleric acidemia; Classic Isovaleric Acidemia; IVD DEFICIENCY. Identifiers: Orphanet 33, MedGen C0268575, MONDO:0009475, OMIM 243500.

Submissions (2):

Natera, Inc.
Classification: Likely pathogenic for Isovaleryl-coa dehydrogenase deficiency. Last evaluated: 2025-11-10. Review status: criteria provided, single submitter. Criteria: Natera Variant Classification Schema (03/2026). Collection method: clinical testing. Allele origin: germline.
Comment: The c.791del variant in IVD is a frameshift variant predicted to shift the reading frame beginning at codon 264 and leads to a stop codon 16 codons downstream. This variant is expected to result in nonsense mediated decay, truncation, or a dysfunctional protein product. This variant is rare in the general population with a frequency below the threshold expected for the associated phenotype(s). Given the available evidence, this variant is classified as Likely Pathogenic.

Labcorp Genetics (formerly Invitae), Labcorp
Classification: Pathogenic for Isovaleryl-CoA dehydrogenase deficiency. Last evaluated: 2025-04-14. Review status: criteria provided, single submitter. Criteria: Invitae Variant Classification Sherloc (09022015). Collection method: clinical testing. Allele origin: germline.
Comment: This sequence change creates a premature translational stop signal (p.Pro264Leufs*16) in the IVD gene. It is expected to result in an absent or disrupted protein product. Loss-of-function variants in IVD are known to be pathogenic (PMID: 16602101). This variant is not present in population databases (gnomAD no frequency). This variant has not been reported in the literature in individuals affected with IVD-related conditions. For these reasons, this variant has been classified as Pathogenic.

Literature cited by the submitters: PubMed 16602101 (cited by Labcorp Genetics (formerly Invitae), Labcorp).